The following is an entry in ClinVar:

NM_001277115.2(DNAH11):c.6916G>A (p.Ala2306Thr)

Gene: DNAH11 (dynein axonemal heavy chain 11; plus strand). Cytogenetic location: 7p15.3.
Variant type: single nucleotide variant.
Coding change: c.6916G>A on transcript NM_001277115.2 (MANE Select); coding-DNA position 6916, G replaced by A.
Protein change: p.Ala2306Thr; replaces alanine 2306 with threonine.
Molecular consequence: missense variant.
Genome position (GRCh38, 1-based): chr7:21,711,793, G>A. VCF-style: chr7-21711793-G-A. GRCh37 (hg19) VCF-style: chr7-21751411-G-A.
Other names: short protein forms A2306T.
Identifiers: ClinVar variation 859114 (VCV000859114.13), dbSNP rs200223750, ClinGen allele CA4181041.

ClinVar aggregate classification (germline): Conflicting classifications of pathogenicity. Review status: criteria provided, conflicting classifications (1 of 4 stars). 2 submissions from 2 submitters: Uncertain significance (1); Benign (1). Last evaluated 2026-01-21.

Conditions:
Primary ciliary dyskinesia. Also called: Ciliary dyskinesia. Identifiers: Orphanet 244, MedGen C0008780, MONDO:0016575, HP:0012265.

Allele frequency attached by ClinVar (database versions not stated): gnomAD exomes 0.00003; ExAC 0.00006; gnomAD 0.00007 and 0.00008; TOPMed 0.00009; ESP Exome Variant Server 0.00024.
gnomAD v4.1: 39 of 1,613,722 alleles (0.0024%); highest among the groups gnomAD compares: African/African-American, 0.008%; no homozygotes.

Submissions (2):

Labcorp Genetics (formerly Invitae), Labcorp
Classification: Benign for Primary ciliary dyskinesia. Last evaluated: 2026-01-21. Review status: criteria provided, single submitter. Criteria: Invitae Variant Classification Sherloc (09022015). Collection method: clinical testing. Allele origin: germline.

Ambry Genetics
Classification: Uncertain significance for Primary ciliary dyskinesia. Last evaluated: 2025-08-06. Review status: criteria provided, single submitter. Criteria: Ambry Variant Classification Scheme 2023. Collection method: clinical testing. Allele origin: germline.
Comment: The p.A2306T variant (also known as c.6916G>A), located in coding exon 42 of the DNAH11 gene, results from a G to A substitution at nucleotide position 6916. The alanine at codon 2306 is replaced by threonine, an amino acid with similar properties. This amino acid position is conserved. In addition, this alteration is predicted to be deleterious by in silico analysis. Since supporting evidence is limited at this time, the clinical significance of this alteration remains unclear.